The following is an entry in ClinVar:

NM_053025.4(MYLK):c.683T>C (p.Val228Ala)

Gene: MYLK (myosin light chain kinase; minus strand). Cytogenetic location: 3q21.1.
Variant type: single nucleotide variant.
Coding change: c.683T>C on transcript NM_053025.4 (MANE Select); coding-DNA position 683, T replaced by C.
Protein change: p.Val228Ala; replaces valine 228 with alanine.
Molecular consequence: missense variant.
Genome position (GRCh38, 1-based): chr3:123,737,449, A>G on the plus strand (T>C on the coding strand, the complement: MYLK is on the minus strand). VCF-style: chr3-123737449-A-G. GRCh37 (hg19) VCF-style: chr3-123456296-A-G.
Other names: c.155T>C, p.Val52Ala (NM_001321309.2); c.683T>C, p.Val228Ala (NM_053026.4, NM_053027.4, NM_053028.4); short protein forms V52A, V228A.
Identifiers: ClinVar variation 3401104 (VCV003401104.1).

ClinVar aggregate classification (germline): Uncertain significance (1 of 4 stars; one submission).

Conditions:
Familial thoracic aortic aneurysm and aortic dissection (TAAD). Also called: Thoracic aortic aneurysms and dissections. Identifiers: Orphanet 91387, MedGen C4707243, MONDO:0019625.

gnomAD v4.1: 4 of 1,614,178 alleles (0.00025%); highest among the groups gnomAD compares: Middle Eastern, 0.016%; no homozygotes.

Submission:

Ambry Genetics
Classification: Uncertain significance for Familial thoracic aortic aneurysm and aortic dissection. Last evaluated: 2024-09-22. Review status: criteria provided, single submitter. Criteria: Ambry Variant Classification Scheme 2023. Collection method: clinical testing. Allele origin: germline.
Comment: The p.V228A variant (also known as c.683T>C), located in coding exon 5 of the MYLK gene, results from a T to C substitution at nucleotide position 683. The valine at codon 228 is replaced by alanine, an amino acid with similar properties. This amino acid position is conserved. In addition, this alteration is predicted to be tolerated by in silico analysis. Based on the available evidence, the clinical significance of this variant remains unclear.